The following is an entry in ClinVar:

ClinVar aggregate classification (germline): Uncertain significance (0 of 4 stars; one submission).

Conditions:
KCNT1-related disorder. Also called: KCNT1-related condition.

Submission:

PreventionGenetics, part of Exact Sciences
Classification: Uncertain significance for KCNT1-related condition. Last evaluated: 2023-11-14. Review status: no assertion criteria provided. Collection method: clinical testing. Allele origin: germline.
Comment: The KCNT1 c.90_98dup9 variant is predicted to result in an in-frame duplication (p.Gly32_Gln33insHisAspGly). To our knowledge, this variant has not been reported in the literature or in a large population database, indicating this variant is rare. At this time, the clinical significance of this variant is uncertain due to the absence of conclusive functional and genetic evidence.

NM_020822.3(KCNT1):c.90_98dup (p.Gly32_Gln33insHisAspGly)

Gene: KCNT1 (potassium sodium-activated channel subfamily T member 1; plus strand). Cytogenetic location: 9q34.3.
Variant type: Duplication.
Coding change: c.90_98dup on transcript NM_020822.3 (MANE Select); coding-DNA positions 90 to 98, 9 bases duplicated (CGACGGCCA; older notation c.90_98dupCGACGGCCA).
Protein change: p.Gly32_Gln33insHisAspGly.
Genome position (GRCh38, 1-based): chr9:135,702,348-135,702,356, CGACGGCCA duplicated; duplicating any 9 consecutive bases within chr9:135,702,347-135,702,356 gives the same sequence; the c. name uses the placement nearest the transcript's 3' end. VCF-style (leftmost placement, unchanged base first): chr9-135702346-G-GACGACGGCC. GRCh37 (hg19) VCF-style: chr9-138594192-G-GACGACGGCC.
Other names: c.90_98dup, p.Gly32_Gln33insHisAspGly (NM_001272003.2).
Identifiers: ClinVar variation 3030268 (VCV003030268.2), dbSNP rs2490551238, ClinGen allele CA2740092928.